The following is an entry in ClinVar:

NM_004304.5(ALK):c.235G>A (p.Glu79Lys)

Gene: ALK (ALK receptor tyrosine kinase; minus strand). Cytogenetic location: 2p23.1.
Variant type: single nucleotide variant.
Coding change: c.235G>A on transcript NM_004304.5 (MANE Select); coding-DNA position 235, G replaced by A.
Protein change: p.Glu79Lys; replaces glutamic acid 79 with lysine.
Molecular consequence: missense variant.
Genome position (GRCh38, 1-based): chr2:29,920,425, C>T on the plus strand (G>A on the coding strand, the complement: ALK is on the minus strand). VCF-style: chr2-29920425-C-T. GRCh37 (hg19) VCF-style: chr2-30143291-C-T.
Other names: c.235G>A (NM_004304.4); short protein forms E79K.
Identifiers: ClinVar variation 3728051 (VCV003728051.3).

ClinVar aggregate classification (germline): Uncertain significance. Review status: criteria provided, multiple submitters, no conflicts (2 of 4 stars). 2 submissions from 2 submitters: Uncertain significance (2). Last evaluated 2025-12-10.

Conditions:
Hereditary cancer-predisposing syndrome. Also called: Tumor predisposition; Hereditary Cancer Syndrome; Hereditary neoplastic syndrome; Neoplastic Syndromes, Hereditary. Identifiers: Orphanet 140162, MedGen C0027672, MeSH D009386, MONDO:0015356.
Neuroblastoma, susceptibility to, 3. Also called: ALK-Related Neuroblastic Tumor Susceptibility. Identifiers: Orphanet 635, MedGen C2751681, MONDO:0013083, OMIM 613014.

gnomAD v4.1: 1 of 1,602,262 alleles (0.000062%); highest among the groups gnomAD compares: South Asian, 0.0011%; no homozygotes.

Submissions (2):

Ambry Genetics
Classification: Uncertain significance for Hereditary cancer-predisposing syndrome. Last evaluated: 2025-12-10. Review status: criteria provided, single submitter. Criteria: Ambry Variant Classification Scheme 2023. Collection method: clinical testing. Allele origin: germline.
Comment: The p.E79K variant (also known as c.235G>A), located in coding exon 1 of the ALK gene, results from a G to A substitution at nucleotide position 235. The glutamic acid at codon 79 is replaced by lysine, an amino acid with similar properties. This amino acid position is well conserved in available vertebrate species. In addition, this alteration is predicted to be tolerated by in silico analysis. Based on the available evidence, the clinical significance of this variant remains unclear.

Labcorp Genetics (formerly Invitae), Labcorp
Classification: Uncertain significance for Neuroblastoma, susceptibility to, 3. Last evaluated: 2024-12-24. Review status: criteria provided, single submitter. Criteria: Invitae Variant Classification Sherloc (09022015). Collection method: clinical testing. Allele origin: germline.
Comment: This sequence change replaces glutamic acid, which is acidic and polar, with lysine, which is basic and polar, at codon 79 of the ALK protein (p.Glu79Lys). The frequency data for this variant in the population databases is considered unreliable, as metrics indicate poor data quality at this position in the gnomAD database. This variant has not been reported in the literature in individuals affected with ALK-related conditions. An algorithm developed to predict the effect of missense changes on protein structure and function (PolyPhen-2) suggests that this variant is likely to be tolerated. In summary, the available evidence is currently insufficient to determine the role of this variant in disease. Therefore, it has been classified as a Variant of Uncertain Significance.